The following is an entry in ClinVar:

NM_000243.3(MEFV):c.725G>C (p.Ser242Thr)

Gene: MEFV (MEFV innate immunity regulator, pyrin; minus strand). Cytogenetic location: 16p13.3.
Variant type: single nucleotide variant.
Coding change: c.725G>C on transcript NM_000243.3 (MANE Select); coding-DNA position 725, G replaced by C.
Protein change: p.Ser242Thr; replaces serine 242 with threonine.
Molecular consequence: missense variant. On other transcripts: intron variant (1).
Genome position (GRCh38, 1-based): chr16:3,254,343, C>G on the plus strand (G>C on the coding strand, the complement: MEFV is on the minus strand). VCF-style: chr16-3254343-C-G. GRCh37 (hg19) VCF-style: chr16-3304343-C-G.
Other names: c.277+1968G>C (NM_001198536.2); short protein forms S242T.
Identifiers: ClinVar variation 4525910 (VCV004525910.1).

ClinVar aggregate classification (germline): Uncertain significance (1 of 4 stars; one submission).

Submission:

Women's Health and Genetics/Laboratory Corporation of America, LabCorp
Classification: Uncertain significance. Last evaluated: 2025-07-15. Review status: criteria provided, single submitter. Criteria: LabCorp Variant Classification Summary - May 2015. Collection method: clinical testing. Allele origin: germline.
Comment: Variant summary: MEFV c.725G>C (p.Ser242Thr) results in a conservative amino acid change in the encoded protein sequence. Algorithms developed to predict the effect of missense changes on protein structure and function are either unavailable or do not agree on the potential impact of this missense change. The variant was absent in 251260 control chromosomes. The available data on variant occurrences in the general population are insufficient to allow any conclusion about variant significance. To our knowledge, no occurrence of c.725G>C in individuals affected with Familial Mediterranean Fever and no experimental evidence demonstrating its impact on protein function have been reported. No submitters have cited clinical-significance assessments for this variant to ClinVar. Based on the evidence outlined above, the variant was classified as uncertain significance.